The following is an entry in ClinVar:

ClinVar aggregate classification (germline): Likely benign. Review status: criteria provided, multiple submitters, no conflicts (2 of 4 stars). 2 submissions from 2 submitters: Likely benign (2). Last evaluated 2025-12-01.

gnomAD v4.1: 24 of 1,613,156 alleles (0.0015%); highest among the groups gnomAD compares: South Asian, 0.0022%; no homozygotes.

Submissions (2):

CeGaT Center for Human Genetics Tuebingen
Classification: Likely benign. Last evaluated: 2025-12-01. Review status: criteria provided, single submitter. Criteria: CeGaT Center For Human Genetics Tuebingen Variant Classification Criteria Version 2. Collection method: clinical testing. Allele origin: germline. Affected: yes. Observed: 1 variant allele.
Comment: ROBO1: BP4, BP7

Labcorp Genetics (formerly Invitae), Labcorp
Classification: Likely benign. Last evaluated: 2024-03-28. Review status: criteria provided, single submitter. Criteria: Invitae Variant Classification Sherloc (09022015). Collection method: clinical testing. Allele origin: germline.

NM_002941.4(ROBO1):c.2778C>T (p.Asn926=)

Gene: ROBO1 (roundabout guidance receptor 1; minus strand). Cytogenetic location: 3p12.3.
Variant type: single nucleotide variant.
Coding change: c.2778C>T on transcript NM_002941.4 (MANE Select); coding-DNA position 2778, C replaced by T.
Protein change: p.Asn926=; no amino-acid change (asparagine 926 retained).
Molecular consequence: synonymous variant.
Genome position (GRCh38, 1-based): chr3:78,651,766, G>A on the plus strand (C>T on the coding strand, the complement: ROBO1 is on the minus strand). VCF-style: chr3-78651766-G-A. GRCh37 (hg19) VCF-style: chr3-78700916-G-A.
Other names: c.2670C>T, p.Asn890= (NM_001145845.2, NM_133631.4).
Identifiers: ClinVar variation 3708744 (VCV003708744.8).
Genomic context (GRCh38, chr3:78,651,766, plus strand): 5'-TATGAAAACCTTGGGAAAGCTAATACCTTTTCTGATACCCGCGTAGGTACTAGTAAGTCC[G>A]TTTCTCTTCTTGCGGTGTCGATAAAGCCAGATGCTGAAGACCATGAGGATGATCCAACAG-3'
Protein context (NP_002932.1, residues 916-936): IWLYRHRKKR[Asn926=]GLTSTYAGIR